The following is an entry in ClinVar:

NM_001363711.2(DUOX2):c.1456C>T (p.Leu486Phe)

Gene: DUOX2 (dual oxidase 2; minus strand). Cytogenetic location: 15q21.1.
Variant type: single nucleotide variant.
Coding change: c.1456C>T on transcript NM_001363711.2 (MANE Select); coding-DNA position 1456, C replaced by T.
Protein change: p.Leu486Phe; replaces leucine 486 with phenylalanine.
Molecular consequence: missense variant.
Genome position (GRCh38, 1-based): chr15:45,108,165, G>A on the plus strand (C>T on the coding strand, the complement: DUOX2 is on the minus strand). VCF-style: chr15-45108165-G-A. GRCh37 (hg19) VCF-style: chr15-45400363-G-A.
Other names: c.1456C>T, p.Leu486Phe (NM_014080.5); short protein forms L486F.
Identifiers: ClinVar variation 2117540 (VCV002117540.4), dbSNP rs773318299, ClinGen allele CA392276590.

ClinVar aggregate classification (germline): Uncertain significance (1 of 4 stars; one submission).

Submission:

Labcorp Genetics (formerly Invitae), Labcorp
Classification: Uncertain significance. Last evaluated: 2022-03-26. Review status: criteria provided, single submitter. Criteria: Invitae Variant Classification Sherloc (09022015). Collection method: clinical testing. Allele origin: germline.
Comment: In summary, the available evidence is currently insufficient to determine the role of this variant in disease. Therefore, it has been classified as a Variant of Uncertain Significance. Advanced modeling of protein sequence and biophysical properties (such as structural, functional, and spatial information, amino acid conservation, physicochemical variation, residue mobility, and thermodynamic stability) performed at Invitae indicates that this missense variant is not expected to disrupt DUOX2 protein function. This variant has not been reported in the literature in individuals affected with DUOX2-related conditions. This variant is not present in population databases (gnomAD no frequency). This sequence change replaces leucine, which is neutral and non-polar, with phenylalanine, which is neutral and non-polar, at codon 486 of the DUOX2 protein (p.Leu486Phe).